The following is an entry in ClinVar:

ClinVar aggregate classification (germline): Uncertain significance (1 of 4 stars; one submission).

Allele frequency attached by ClinVar (database versions not stated): gnomAD exomes below 0.00001; TOPMed below 0.00001.
gnomAD v4.1: 1 of 1,607,074 alleles (0.000062%); highest among the groups gnomAD compares: Non-Finnish European, 0.000085%; no homozygotes.

Submission:

Labcorp Genetics (formerly Invitae), Labcorp
Classification: Uncertain significance. Last evaluated: 2023-01-16. Review status: criteria provided, single submitter. Criteria: Invitae Variant Classification Sherloc (09022015). Collection method: clinical testing. Allele origin: germline.
Comment: This variant is not present in population databases (gnomAD no frequency). This sequence change replaces threonine, which is neutral and polar, with isoleucine, which is neutral and non-polar, at codon 1545 of the LAMA5 protein (p.Thr1545Ile). This variant has not been reported in the literature in individuals affected with LAMA5-related conditions. In summary, the available evidence is currently insufficient to determine the role of this variant in disease. Therefore, it has been classified as a Variant of Uncertain Significance. Algorithms developed to predict the effect of missense changes on protein structure and function (SIFT, PolyPhen-2, Align-GVGD) all suggest that this variant is likely to be tolerated.

NM_005560.6(LAMA5):c.4634C>T (p.Thr1545Ile)

Gene: LAMA5 (laminin subunit alpha 5; minus strand). Cytogenetic location: 20q13.33.
Variant type: single nucleotide variant.
Coding change: c.4634C>T on transcript NM_005560.6 (MANE Select); coding-DNA position 4634, C replaced by T.
Protein change: p.Thr1545Ile; replaces threonine 1545 with isoleucine.
Molecular consequence: missense variant.
Genome position (GRCh38, 1-based): chr20:62,328,259, G>A on the plus strand (C>T on the coding strand, the complement: LAMA5 is on the minus strand). VCF-style: chr20-62328259-G-A. GRCh37 (hg19) VCF-style: chr20-60903315-G-A.
Other names: short protein forms T1545I.
Identifiers: ClinVar variation 3013646 (VCV003013646.3), dbSNP rs1031733995, ClinGen allele CA317257193.